The following is an entry in ClinVar:

ClinVar aggregate classification (germline): Conflicting classifications of pathogenicity. Review status: criteria provided, conflicting classifications (1 of 4 stars). 3 submissions from 3 submitters: Uncertain significance (1); Likely benign (2). Last evaluated 2024-09-04.

Conditions:
Hereditary cancer-predisposing syndrome. Also called: Tumor predisposition; Neoplastic Syndromes, Hereditary; Hereditary Cancer Syndrome; Hereditary neoplastic syndrome. Identifiers: Orphanet 140162, MedGen C0027672, MeSH D009386, MONDO:0015356.

gnomAD v4.1: 2 of 1,612,088 alleles (0.00012%); highest among the groups gnomAD compares: Non-Finnish European, 0.00017%; no homozygotes.

Submissions (3):

Labcorp Genetics (formerly Invitae), Labcorp
Classification: Likely benign. Last evaluated: 2024-09-04. Review status: criteria provided, single submitter. Criteria: Invitae Variant Classification Sherloc (09022015). Collection method: clinical testing. Allele origin: germline.

Ambry Genetics
Classification: Likely benign for Hereditary cancer-predisposing syndrome. Last evaluated: 2019-06-10. Review status: criteria provided, single submitter. Criteria: Ambry Variant Classification Scheme 2023. Collection method: clinical testing. Allele origin: germline.

GeneDx
Classification: Uncertain significance. Last evaluated: 2019-05-14. Review status: criteria provided, single submitter. Criteria: GeneDx Variant Classification Process June 2021. Collection method: clinical testing. Allele origin: germline. Affected: yes.
Comment: Not observed in large population cohorts (Lek et al., 2016); In silico analysis, which includes splice predictors and evolutionary conservation, supports that this variant does not alter protein structure/function; Has not been previously published as pathogenic or benign to our knowledge

NM_002528.7(NTHL1):c.585C>T (p.Asp195=)

Gene: NTHL1 (nth like DNA glycosylase 1; minus strand). Cytogenetic location: 16p13.3.
Variant type: single nucleotide variant.
Coding change: c.585C>T on transcript NM_002528.7 (MANE Select); coding-DNA position 585, C replaced by T.
Protein change: p.Asp195=; no amino-acid change (aspartic acid 195 retained).
Molecular consequence: synonymous variant.
Genome position (GRCh38, 1-based): chr16:2,043,667, G>A on the plus strand (C>T on the coding strand, the complement: NTHL1 is on the minus strand). VCF-style: chr16-2043667-G-A. GRCh37 (hg19) VCF-style: chr16-2093668-G-A.
Other names: c.414C>T, p.Asp138= (NM_001318193.2); c.255C>T, p.Asp85= (NM_001318194.2).
Identifiers: ClinVar variation 1305901 (VCV001305901.11), dbSNP rs2150941343, ClinGen allele CA492952104.